The following is an entry in ClinVar:

NM_000843.4(GRM6):c.815A>G (p.Asn272Ser)

Gene: GRM6 (glutamate metabotropic receptor 6; minus strand). Cytogenetic location: 5q35.3.
Variant type: single nucleotide variant.
Coding change: c.815A>G on transcript NM_000843.4 (MANE Select); coding-DNA position 815, A replaced by G.
Protein change: p.Asn272Ser; replaces asparagine 272 with serine.
Molecular consequence: missense variant.
Genome position (GRCh38, 1-based): chr5:178,991,466, T>C on the plus strand (A>G on the coding strand, the complement: GRM6 is on the minus strand). VCF-style: chr5-178991466-T-C. GRCh37 (hg19) VCF-style: chr5-178418467-T-C.
Other names: short protein forms N272S.
Identifiers: ClinVar variation 2049400 (VCV002049400.2), dbSNP rs760937889, ClinGen allele CA133029078.
Genomic context (GRCh38, chr5:178,991,466, plus strand): 5'-ATTGTGCCACTGTCCCACCTGATGTCATCCTCATTGGCAAAGATGATGATGCCCCGGGCG[T>C]TGGGCGTCTCCATGAGTCTCCTGATCACCTTGCTGAACTCTCCTGGCTTTGGTTCCCTGG-3'
Protein context (NP_000834.2, residues 262-282): KVIRRLMETP[Asn272Ser]ARGIIIFANE

ClinVar aggregate classification (germline): Uncertain significance (1 of 4 stars; one submission).

Allele frequency attached by ClinVar (database versions not stated): gnomAD 0.00001; gnomAD exomes 0.00001; TOPMed 0.00001.
gnomAD v4.1: 15 of 1,613,216 alleles (0.00093%); highest among the groups gnomAD compares: Middle Eastern, 0.066%; no homozygotes.

Submission:

Labcorp Genetics (formerly Invitae), Labcorp
Classification: Uncertain significance. Last evaluated: 2022-02-06. Review status: criteria provided, single submitter. Criteria: Invitae Variant Classification Sherloc (09022015). Collection method: clinical testing. Allele origin: germline.
Comment: In summary, the available evidence is currently insufficient to determine the role of this variant in disease. Therefore, it has been classified as a Variant of Uncertain Significance. Advanced modeling of protein sequence and biophysical properties (such as structural, functional, and spatial information, amino acid conservation, physicochemical variation, residue mobility, and thermodynamic stability) performed at Invitae indicates that this missense variant is not expected to disrupt GRM6 protein function. This variant has not been reported in the literature in individuals affected with GRM6-related conditions. This variant is present in population databases (rs760937889, gnomAD 0.0009%). This sequence change replaces asparagine, which is neutral and polar, with serine, which is neutral and polar, at codon 272 of the GRM6 protein (p.Asn272Ser).